The following is an entry in ClinVar:

ClinVar aggregate classification (germline): Uncertain significance (1 of 4 stars; one submission).

Conditions:
Adenylosuccinate lyase deficiency (ADSLD). Also called: ADSL DEFICIENCY. Identifiers: Orphanet 46, MedGen C0268126, MONDO:0007068, OMIM 103050.

gnomAD v4.1: 1 of 1,613,252 alleles (0.000062%); highest among the groups gnomAD compares: East Asian, 0.0022%; no homozygotes.

Submission:

Labcorp Genetics (formerly Invitae), Labcorp
Classification: Uncertain significance for Adenylosuccinate lyase deficiency. Last evaluated: 2021-01-08. Review status: criteria provided, single submitter. Criteria: Invitae Variant Classification Sherloc (09022015). Collection method: clinical testing. Allele origin: germline.
Comment: In summary, the available evidence is currently insufficient to determine the role of this variant in disease. Therefore, it has been classified as a Variant of Uncertain Significance. Algorithms developed to predict the effect of missense changes on protein structure and function (SIFT, PolyPhen-2, Align-GVGD) all suggest that this variant is likely to be tolerated, but these predictions have not been confirmed by published functional studies and their clinical significance is uncertain. This variant has not been reported in the literature in individuals with ADSL-related conditions. This variant is not present in population databases (ExAC no frequency). This sequence change replaces serine with arginine at codon 474 of the ADSL protein (p.Ser474Arg). The serine residue is moderately conserved and there is a moderate physicochemical difference between serine and arginine.

NM_000026.4(ADSL):c.1422C>G (p.Ser474Arg)

Gene: ADSL (adenylosuccinate lyase; plus strand). Cytogenetic location: 22q13.1.
Variant type: single nucleotide variant.
Coding change: c.1422C>G on transcript NM_000026.4 (MANE Select); coding-DNA position 1422, C replaced by G.
Protein change: p.Ser474Arg; replaces serine 474 with arginine.
Molecular consequence: missense variant. On other transcripts: non-coding transcript variant (1).
Genome position (GRCh38, 1-based): chr22:40,366,489, C>G. VCF-style: chr22-40366489-C-G. GRCh37 (hg19) VCF-style: chr22-40762493-C-G.
Other names: c.1245C>G, p.Ser415Arg (NM_001123378.3); c.1230C>G, p.Ser410Arg (NM_001317923.2); c.1422C>G, p.Ser474Arg (NM_001363840.3); short protein forms S415R, S410R, S474R.
Identifiers: ClinVar variation 1470567 (VCV001470567.8), dbSNP rs748593655, ClinGen allele CA411649367.